The following is an entry in ClinVar:

NM_003998.4(NFKB1):c.670A>G (p.Ser224Gly)

Gene: NFKB1 (nuclear factor kappa B subunit 1; plus strand). Cytogenetic location: 4q24.
Variant type: single nucleotide variant.
Coding change: c.670A>G on transcript NM_003998.4 (MANE Select); coding-DNA position 670, A replaced by G.
Protein change: p.Ser224Gly; replaces serine 224 with glycine.
Molecular consequence: missense variant.
Genome position (GRCh38, 1-based): chr4:102,578,979, A>G. VCF-style: chr4-102578979-A-G. GRCh37 (hg19) VCF-style: chr4-103500136-A-G.
Other names: c.667A>G, p.Ser223Gly (NM_001165412.2, NM_001319226.2, NM_001382627.1); c.670A>G, p.Ser224Gly (NM_001382625.1, NM_001382626.1); c.628A>G, p.Ser210Gly (NM_001382628.1); short protein forms S223G, S210G, S224G.
Identifiers: ClinVar variation 3006549 (VCV003006549.3), dbSNP rs1725094247, ClinGen allele CA357959685.

ClinVar aggregate classification (germline): Uncertain significance (1 of 4 stars; one submission).

Allele frequency attached by ClinVar (database versions not stated): gnomAD exomes below 0.00001; TOPMed below 0.00001.
gnomAD v4.1: 2 of 1,614,150 alleles (0.00012%); highest among the groups gnomAD compares: Non-Finnish European, 0.00017%; no homozygotes.

Submission:

Labcorp Genetics (formerly Invitae), Labcorp
Classification: Uncertain significance. Last evaluated: 2023-12-02. Review status: criteria provided, single submitter. Criteria: Invitae Variant Classification Sherloc (09022015). Collection method: clinical testing. Allele origin: germline.
Comment: This sequence change replaces serine, which is neutral and polar, with glycine, which is neutral and non-polar, at codon 224 of the NFKB1 protein (p.Ser224Gly). This variant is not present in population databases (gnomAD no frequency). This variant has not been reported in the literature in individuals affected with NFKB1-related conditions. Advanced modeling of protein sequence and biophysical properties (such as structural, functional, and spatial information, amino acid conservation, physicochemical variation, residue mobility, and thermodynamic stability) performed at Invitae indicates that this missense variant is not expected to disrupt NFKB1 protein function with a negative predictive value of 80%. In summary, the available evidence is currently insufficient to determine the role of this variant in disease. Therefore, it has been classified as a Variant of Uncertain Significance.